The following is an entry in ClinVar:

ClinVar aggregate classification (germline): Uncertain significance (1 of 4 stars; one submission).

gnomAD v4.1: 7 of 1,614,098 alleles (0.00043%); highest among the groups gnomAD compares: African/African-American, 0.0013%; no homozygotes.

Submission:

Labcorp Genetics (formerly Invitae), Labcorp
Classification: Uncertain significance. Last evaluated: 2026-01-17. Review status: criteria provided, single submitter. Criteria: Invitae Variant Classification Sherloc (09022015). Collection method: clinical testing. Allele origin: germline.
Comment: This sequence change replaces arginine, which is basic and polar, with tryptophan, which is neutral and slightly polar, at codon 297 of the ACOX2 protein (p.Arg297Trp). This variant is present in population databases (rs749769851, gnomAD 0.01%). This variant has not been reported in the literature in individuals affected with ACOX2-related conditions. Invitae Evidence Modeling of protein sequence and biophysical properties (such as structural, functional, and spatial information, amino acid conservation, physicochemical variation, residue mobility, and thermodynamic stability) indicates that this missense variant is expected to disrupt ACOX2 protein function with a positive predictive value of 80%. In summary, the available evidence is currently insufficient to determine the role of this variant in disease. Therefore, it has been classified as a Variant of Uncertain Significance.

NM_003500.4(ACOX2):c.889C>T (p.Arg297Trp)

Gene: ACOX2 (acyl-CoA oxidase 2; minus strand). Cytogenetic location: 3p14.3.
Variant type: single nucleotide variant.
Coding change: c.889C>T on transcript NM_003500.4 (MANE Select); coding-DNA position 889, C replaced by T.
Protein change: p.Arg297Trp; replaces arginine 297 with tryptophan.
Molecular consequence: missense variant.
Genome position (GRCh38, 1-based): chr3:58,530,569, G>A on the plus strand (C>T on the coding strand, the complement: ACOX2 is on the minus strand). VCF-style: chr3-58530569-G-A. GRCh37 (hg19) VCF-style: chr3-58516296-G-A.
Other names: short protein forms R297W.
Identifiers: ClinVar variation 4702805 (VCV004702805.1).